The following is an entry in ClinVar:

ClinVar aggregate classification (germline): Pathogenic. Review status: criteria provided, multiple submitters, no conflicts (2 of 4 stars). 4 submissions from 4 submitters: Pathogenic (3). 1 of the submissions does not count toward it. Last evaluated 2024-10-24.

Conditions:
Cerebral arteriopathy, autosomal dominant, with subcortical infarcts and leukoencephalopathy, type 1 (CADASIL1). Also called: Cerebral arteriopathy with subcortical infarcts and leukoencephalopathy 1; CADASIL 1; CASIL; DEMENTIA, HEREDITARY MULTIINFARCT TYPE. Identifiers: Orphanet 136, MedGen C4551768, MONDO:0000914, OMIM 125310.

Submissions (4):

Labcorp Genetics (formerly Invitae), Labcorp
Classification: Pathogenic. Last evaluated: 2024-10-24. Review status: criteria provided, single submitter. Criteria: Invitae Variant Classification Sherloc (09022015). Collection method: clinical testing. Allele origin: germline.
Comment: This sequence change replaces serine, which is neutral and polar, with cysteine, which is neutral and slightly polar, at codon 396 of the NOTCH3 protein (p.Ser396Cys). This variant is not present in population databases (gnomAD no frequency). This missense change has been observed in individuals with cerebral autosomal dominant arteriopathy with subcortical infarcts and leukoencephalopathy (PMID: 22664156, 32277177; internal data). ClinVar contains an entry for this variant (Variation ID: 217882). Invitae Evidence Modeling of protein sequence and biophysical properties (such as structural, functional, and spatial information, amino acid conservation, physicochemical variation, residue mobility, and thermodynamic stability) has been performed for this missense variant. However, the output from this modeling did not meet the statistical confidence thresholds required to predict the impact of this variant on NOTCH3 protein function. For these reasons, this variant has been classified as Pathogenic.

Dasa
Classification: Pathogenic for Cerebral arteriopathy, autosomal dominant, with subcortical infarcts and leukoencephalopathy, type 1. Last evaluated: 2021-09-02. Review status: criteria provided, single submitter. Criteria: ACMG Guidelines, 2015. Collection method: clinical testing. Allele origin: germline. Affected: yes. Observed: 1 variant allele.
Comment: The c.1187C>G;p.(Ser396Cys) variant has been published as a pathogenic variant in individuals affected with CADASIL, described with possible effect founder in italian population (PMID: 22664156; GeneOne, DASA) and ClinVar contains an entry for this variant (Variation ID: 217882) - PS4; variant is located in a mutational hot spot and/or critical and well-established functional domain - PM1; this variant is not present in population databases (rs863225297 - gnomAD no frequency; ABraOM no frequency) - PM2; this variant has been observed to segregate in ten italian families (PMID: 22664156) - PP1_strong; missense variant in NOTCH3 that has a low rate of benign missense variation and in which missense variants are a common mechanism of disease - PP2; in silico analysis predicts this variant is probably damaging to the protein structure/function - PP3; In summary, the currently available evidence indicates that the variant is pathogenic.

Athena Diagnostics
Classification: Pathogenic. Last evaluated: 2021-04-15. Review status: criteria provided, single submitter. Criteria: Athena Diagnostics criteria. Collection method: clinical testing. Allele origin: unknown.
Comment: This variant has not been reported in large, multi-ethnic general populations. This variant has been identified in at least one individual with clinical features associated with this gene. This variant alters a critical location within the protein, and is expected to severely affect function and cause disease. Greater than 90% of NOTCH3 pathogenic mutations associated with CADASIL involve the gain or loss of a cysteine residue within the epidermal growth factor (EGF)-like repeat domain (PMID: 32457593, 20301673).

Mendelics
Classification: Pathogenic for Cerebral arteriopathy, autosomal dominant, with subcortical infarcts and leukoencephalopathy, type 1. Last evaluated: 2014-07-25. Review status: no assertion criteria provided. Collection method: clinical testing. Allele origin: unknown. Affected: yes. Not counted in ClinVar's aggregate classification.

Literature cited by the submitters: PubMed 22664156 (cited by 4 submitters); PubMed 32277177 (cited by Labcorp Genetics (formerly Invitae), Labcorp); PubMed 18948701 (cited by Athena Diagnostics); PubMed 28991717 (cited by Athena Diagnostics); PubMed 30956055 (cited by Athena Diagnostics); PubMed 30311053 (cited by Athena Diagnostics); PubMed 20301673 (cited by Mendelics).

NM_000435.3(NOTCH3):c.1187C>G (p.Ser396Cys)

Gene: NOTCH3 (notch receptor 3; minus strand). Cytogenetic location: 19p13.12.
Variant type: single nucleotide variant.
Coding change: c.1187C>G on transcript NM_000435.3 (MANE Select); coding-DNA position 1187, C replaced by G.
Protein change: p.Ser396Cys; replaces serine 396 with cysteine.
Molecular consequence: missense variant.
Genome position (GRCh38, 1-based): chr19:15,189,278, G>C on the plus strand (C>G on the coding strand, the complement: NOTCH3 is on the minus strand). VCF-style: chr19-15189278-G-C. GRCh37 (hg19) VCF-style: chr19-15300089-G-C.
Other names: short protein forms S396C.
Identifiers: ClinVar variation 217882 (VCV000217882.10), dbSNP rs863225297, ClinGen allele CA347693.